The following is an entry in ClinVar:

ClinVar aggregate classification (germline): Uncertain significance. Review status: reviewed by expert panel (3 of 4 stars). 4 submissions from 4 submitters: Uncertain significance (1). 3 of the submissions do not count toward it. Last evaluated 2023-08-21.

Conditions:
CDH1-related diffuse gastric and lobular breast cancer syndrome. Also called: CDH1-related diffuse gastric and lobular breast cancer. Identifiers: MedGen CN311521, MONDO:0100488.
Hereditary cancer-predisposing syndrome. Also called: Tumor predisposition; Hereditary Cancer Syndrome; Hereditary neoplastic syndrome; Neoplastic Syndromes, Hereditary. Identifiers: Orphanet 140162, MedGen C0027672, MeSH D009386, MONDO:0015356.
Hereditary diffuse gastric adenocarcinoma (HDGC). Also called: DIFFUSE GASTRIC AND LOBULAR BREAST CANCER SYNDROME. Identifiers: Orphanet 26106, MedGen C1708349, MONDO:0007648, OMIM 137215.

Allele frequency attached by ClinVar (database versions not stated): gnomAD exomes below 0.00001.
gnomAD v4.1: 1 of 1,611,196 alleles (0.000062%); highest among the groups gnomAD compares: Non-Finnish European, 0.000085%; no homozygotes.

Submissions (4):

Clingen Gastric Cancer Variant Curation Expert Panel
Classification: Uncertain significance for CDH1-related diffuse gastric and lobular breast cancer syndrome. Last evaluated: 2023-08-21. Review status: reviewed by expert panel. Criteria: ClinGen CDH1 ACMG Specifications V3.1. Collection method: curation. Allele origin: germline. Inheritance: Autosomal dominant inheritance.
Comment: The c.1712-2A>C variant is a canonical splice variant that has been shown experimentally to leads to an in-frame 9 bp deletion in the extracellular domain (PVS1_Moderate; internal laboratory collaborator). The variant is present in <1 out of 100,000 alleles in the European non-Finnish subpopulation of the gnomAD cohort (1/113,756 alleles, 0 homozygotes, gnomAD v2.1.1; PM2_Supporting). The variant has been seen in at least 5 individuals without DCG, SRC tumors, or LBC & whose families do not suggest HDGC (BS2_Supporting; internal laboratory collaborators). In summary, the clinical significance of this variant is uncertain based on the ACMG/AMP criteria applied as specified by the CDH1 Variant Curation Expert Panel (Variant Interpretation Guidelines Version 3.1): PVS1_Moderate, PM2_Supporting, BS2_supporting.

Ambry Genetics
Classification: Uncertain significance for Hereditary cancer-predisposing syndrome. Last evaluated: 2025-11-21. Review status: criteria provided, single submitter. Criteria: Ambry Variant Classification Scheme 2023. Collection method: clinical testing. Allele origin: germline. Not counted in ClinVar's aggregate classification.
Comment: The c.1712-2A>C intronic variant results from an A to C substitution two nucleotides upstream from coding exon 12 in the CDH1 gene. This nucleotide position is highly conserved in available vertebrate species. In silico splice site analysis predicts that this alteration will weaken the native splice acceptor site and will result in the creation or strengthening of a novel splice acceptor site. RNA studies have demonstrated that this alteration activates a cryptic acceptor site nine nucleotides downstream from the native site (Ambry internal data). This results in an in-frame loss of three amino acids at the beginning of coding exon 12; currently, the clinical relevance of the loss of these three amino acids is unknown. Based on the available evidence, the clinical significance of this variant remains unclear.

Labcorp Genetics (formerly Invitae), Labcorp
Classification: Uncertain significance for Hereditary diffuse gastric adenocarcinoma. Last evaluated: 2025-08-18. Review status: criteria provided, single submitter. Criteria: Invitae Variant Classification Sherloc (09022015). Collection method: clinical testing. Allele origin: germline. Not counted in ClinVar's aggregate classification.
Comment: This sequence change affects an acceptor splice site in intron 11 of the CDH1 gene. RNA analysis indicates that disruption of this splice site induces altered splicing and likely results in the loss of 3 amino acid residue(s), but is expected to preserve the integrity of the reading-frame. This variant is present in population databases (rs552325719, gnomAD 0.0009%). Disruption of this splice site has been observed in individual(s) with breast cancer (PMID: 30287823). ClinVar contains an entry for this variant (Variation ID: 234654). Studies have shown that disruption of this splice site results in the activation of a cryptic splice site in exon 12 (internal data). In summary, the available evidence is currently insufficient to determine the role of this variant in disease. Therefore, it has been classified as a Variant of Uncertain Significance.

GeneDx
Classification: Uncertain significance. Last evaluated: 2015-12-04. Review status: criteria provided, single submitter. Criteria: GeneDx Variant Classification (06012015). Collection method: clinical testing. Allele origin: germline. Affected: yes. Not counted in ClinVar's aggregate classification.
Comment: This variant is denoted CDH1 c.1712-2A>C or IVS11-2A>C and consists of an A>C nucleotide substitution at the -2 position of intron 11 of the CDH1 gene. This variant destroys a canonical splice acceptor site and is predicted to cause abnormal gene splicing, leading to either in-frame skipping of exon 12, or to the production of an abnormal protein product. This variant has not, to our knowledge, been published in the literature as pathogenic or benign. CDH1 c.1712-2A>C was not observed in approximately 6,500 individuals of European and African American ancestry in the NHLBI Exome Sequencing Project, indicating it is not a common benign variant in these populations. Canonical splice variants are typically expected to be pathogenic, however this variant is predicted to result in an in-frame deletion and may not result in protein truncation or non-sense medicated decay. In the absence of RNA or functional studies, the actual effect of this variant is unknown, thus we consider CDH1 c.1712-2A>C to be a variant ofuncertain significance.

Literature cited by the submitters: PubMed 30287823 (cited by Labcorp Genetics (formerly Invitae), Labcorp).

NM_004360.5(CDH1):c.1712-2A>C

Gene: CDH1 (cadherin 1; plus strand). Cytogenetic location: 16q22.1.
Variant type: single nucleotide variant.
Coding change: c.1712-2A>C on transcript NM_004360.5 (MANE Select); the canonical splice acceptor site of the intron before coding-DNA position 1712, A replaced by C.
Molecular consequence: splice acceptor variant.
Genome position (GRCh38, 1-based): chr16:68,821,999, A>C. VCF-style: chr16-68821999-A-C. GRCh37 (hg19) VCF-style: chr16-68855902-A-C.
Other names: c.164-2A>C (NM_001317185.2); c.-254-2A>C (NM_001317186.2); c.1529-2A>C (NM_001317184.2).
Identifiers: ClinVar variation 234654 (VCV000234654.21), dbSNP rs552325719, ClinGen allele CA10577546.